The following is an entry in ClinVar:

NM_001267550.2(TTN):c.66203C>T (p.Thr22068Ile)

Genes: TTN (titin; minus strand), TTN-AS1 (TTN antisense RNA 1; plus strand). Cytogenetic location: 2q31.2.
Variant type: single nucleotide variant.
Coding change: c.66203C>T on transcript NM_001267550.2 (MANE Select); coding-DNA position 66203, C replaced by T.
Protein change: p.Thr22068Ile; replaces threonine 22068 with isoleucine.
Molecular consequence: missense variant.
Genome position (GRCh38, 1-based): chr2:178,582,166, G>A on the plus strand (C>T on the coding strand, the complement: TTN is on the minus strand). VCF-style: chr2-178582166-G-A. GRCh37 (hg19) VCF-style: chr2-179446893-G-A.
Other names: c.61280C>T, p.Thr20427Ile (NM_001256850.1); c.39008C>T, p.Thr13003Ile (NM_003319.4); c.58499C>T, p.Thr19500Ile (NM_133378.4); c.39383C>T, p.Thr13128Ile (NM_133432.3); c.39584C>T, p.Thr13195Ile (NM_133437.4); short protein forms T13003I, T13128I, T13195I, T19500I, T20427I, T22068I.
Identifiers: ClinVar variation 3894876 (VCV003894876.1).
Genomic context (GRCh38, chr2:178,582,166, plus strand): 5'-GTGATGGGTGAGCCCCCATCATCTGCTGGTGGCTTCCAGCTGACTGTCATGTGATCTTTG[G>A]TTATGTTGCTAATAACAGGAGGATCACAGCGTCCTGGTGGGTCTGCAGAAATTGATTGAA-3'
Protein context (NP_001254479.2, residues 22058-22078): RCDPPVISNI[Thr22068Ile]KDHMTVSWKP

ClinVar aggregate classification (germline): Likely benign (1 of 4 stars; one submission).

gnomAD v4.1: 1 of 1,612,658 alleles (0.000062%); highest among the groups gnomAD compares: Non-Finnish European, 0.000085%; no homozygotes.

Submission:

Molecular Diagnostic Laboratory for Inherited Cardiovascular Disease, Montreal Heart Institute
Classification: Likely benign. Last evaluated: 2025-04-09. Review status: criteria provided, single submitter. Criteria: ACMG Guidelines, 2015. Collection method: clinical testing. Allele origin: germline. Affected: no.
Comment: BP1